The following is an entry in ClinVar:

ClinVar aggregate classification (germline): Likely pathogenic (1 of 4 stars; one submission).

Conditions:
Dilated cardiomyopathy 1G (CMD1G). Identifiers: Orphanet 154, MedGen C1858763, MONDO:0011400, OMIM 604145.
Autosomal recessive limb-girdle muscular dystrophy type 2J (LGMDR10). Also called: Limb-girdle muscular dystrophy, type 2J; MUSCULAR DYSTROPHY, LIMB-GIRDLE, AUTOSOMAL RECESSIVE 10. Identifiers: Orphanet 140922, MedGen C1837342, MONDO:0012127, OMIM 608807.

Submission:

Labcorp Genetics (formerly Invitae), Labcorp
Classification: Likely pathogenic for Dilated cardiomyopathy 1G; Autosomal recessive limb-girdle muscular dystrophy type 2J. Last evaluated: 2024-09-17. Review status: criteria provided, single submitter. Criteria: Invitae Variant Classification Sherloc (09022015). Collection method: clinical testing. Allele origin: germline.
Comment: This sequence change creates a premature translational stop signal (p.Lys12914Serfs*7) in the TTN gene. While this is not anticipated to result in nonsense mediated decay, it is expected to create a truncated TTN protein. This variant is not present in population databases (gnomAD no frequency). This variant has not been reported in the literature in individuals affected with TTN-related conditions. Algorithms developed to predict the effect of sequence changes on RNA splicing suggest that this variant may disrupt the consensus splice site. This variant is located in the I band of TTN (PMID: 25589632). Truncating variants in this region have been reported in individuals affected with autosomal recessive centronuclear myopathy (PMID: 23975875, internal data). Truncating variants in this region have also been identified in individuals affected with autosomal dominant dilated cardiomyopathy and/or cardio-related conditions (PMID: 27869827, 32964742, internal data). In summary, the currently available evidence indicates that the variant is pathogenic, but additional data are needed to prove that conclusively. Therefore, this variant has been classified as Likely Pathogenic.

Literature cited by the submitters: PubMed 25589632; PubMed 23975875; PubMed 27869827; PubMed 32964742.

NM_001267550.2(TTN):c.38741_38745del (p.Lys12914fs)

Gene: TTN (titin; minus strand). Cytogenetic location: 2q31.2.
Variant type: Deletion.
Coding change: c.38741_38745del on transcript NM_001267550.2 (MANE Select); coding-DNA positions 38741 to 38745, 5 bases deleted (AGAAA; older notation c.38741_38745delAGAAA).
Protein change: p.Lys12914fs; shifts the reading frame from lysine 12914.
Molecular consequence: frameshift variant. On other transcripts: intron variant (5).
Genome position (GRCh38, 1-based): chr2:178,653,284-178,653,288, TTTCT deleted on the plus strand (AGAAA on the coding strand, the reverse complement: TTN is on the minus strand); deleting any 5 consecutive bases within chr2:178,653,284-178,653,292 gives the same sequence; the c. name uses the placement nearest the transcript's 3' end. VCF-style (leftmost placement, unchanged base first): chr2-178653283-CTTTCT-C. GRCh37 (hg19) VCF-style: chr2-179518010-CTTTCT-C.
Other names: c.13283-10971_13283-10967del (NM_003319.4); c.13859-10971_13859-10967del (NM_133437.4); c.13658-10971_13658-10967del (NM_133432.3); c.31742-747_31742-743del (NM_133378.4); c.34523-747_34523-743del (NM_001256850.1); short protein forms K12914fs.
Identifiers: ClinVar variation 3758852 (VCV003758852.2).